The following is an entry in ClinVar:

NM_006949.4(STXBP2):c.185A>G (p.Asn62Ser)

Gene: STXBP2 (syntaxin binding protein 2; plus strand). Cytogenetic location: 19p13.2.
Variant type: single nucleotide variant.
Coding change: c.185A>G on transcript NM_006949.4 (MANE Select); coding-DNA position 185, A replaced by G.
Protein change: p.Asn62Ser; replaces asparagine 62 with serine.
Molecular consequence: missense variant. On other transcripts: non-coding transcript variant (1).
Genome position (GRCh38, 1-based): chr19:7,639,746, A>G. VCF-style: chr19-7639746-A-G. GRCh37 (hg19) VCF-style: chr19-7704632-A-G.
Other names: c.185A>G, p.Asn62Ser (NM_001127396.3, NM_001272034.2); c.185A>G (NM_006949.3); short protein forms N62S.
Identifiers: ClinVar variation 1170479 (VCV001170479.41), dbSNP rs540968221, ClinGen allele CA9143163.

ClinVar aggregate classification (germline): Benign/Likely benign. Review status: criteria provided, multiple submitters, no conflicts (2 of 4 stars). 3 submissions from 3 submitters: Benign (1); Likely benign (1). 1 of the submissions does not count toward it. Last evaluated 2026-01-18.

Conditions:
Familial hemophagocytic lymphohistiocytosis 5. Also called: STXBP2-Related Familial Hemophagocytic Lymphohistiocytosis (STXBP2-fHLH). Identifiers: Orphanet 540, MedGen C2751293, MONDO:0013135, OMIM 613101.
STXBP2-related disorder. Also called: STXBP2-related condition.

Allele frequency attached by ClinVar (database versions not stated): TOPMed 0.00001; gnomAD 0.00006; gnomAD exomes 0.00018 and 0.00040; ExAC 0.00047; 1000 Genomes Project 0.00080; 1000 Genomes Project 30x 0.00094.

Submissions (3):

Labcorp Genetics (formerly Invitae), Labcorp
Classification: Benign for Familial hemophagocytic lymphohistiocytosis 5. Last evaluated: 2026-01-18. Review status: criteria provided, single submitter. Criteria: Invitae Variant Classification Sherloc (09022015). Collection method: clinical testing. Allele origin: germline.

CeGaT Center for Human Genetics Tuebingen
Classification: Likely benign. Last evaluated: 2022-05-01. Review status: criteria provided, single submitter. Criteria: CeGaT Center For Human Genetics Tuebingen Variant Classification Criteria Version 2. Collection method: clinical testing. Allele origin: germline. Affected: yes. Observed: 1 variant allele.
Comment: STXBP2: BS2

PreventionGenetics, part of Exact Sciences
Classification: Likely benign for STXBP2-related condition. Last evaluated: 2019-03-26. Review status: no assertion criteria provided. Collection method: clinical testing. Allele origin: germline. Not counted in ClinVar's aggregate classification.
Comment: This variant is classified as likely benign based on ACMG/AMP sequence variant interpretation guidelines (Richards et al. 2015 PMID: 25741868, with internal and published modifications).